The following is an entry in ClinVar:

ClinVar aggregate classification (germline): Uncertain significance. Review status: criteria provided, multiple submitters, no conflicts (2 of 4 stars). 2 submissions from 2 submitters: Uncertain significance (2). Last evaluated 2025-09-16.

Conditions:
Cardiovascular phenotype. Identifiers: MedGen CN230736.
Dilated cardiomyopathy 1W (CMD1W). Identifiers: Orphanet 154, MedGen C1969639, MONDO:0012667, OMIM 611407.

gnomAD v4.1: 2 of 1,614,212 alleles (0.00012%); highest among the groups gnomAD compares: Non-Finnish European, 0.00017%; no homozygotes.

Submissions (2):

Ambry Genetics
Classification: Uncertain significance for Cardiovascular phenotype. Last evaluated: 2025-09-16. Review status: criteria provided, single submitter. Criteria: Ambry Variant Classification Scheme 2023. Collection method: clinical testing. Allele origin: germline.
Comment: The p.M748I variant (also known as c.2244G>A), located in coding exon 16 of the VCL gene, results from a G to A substitution at nucleotide position 2244. The methionine at codon 748 is replaced by isoleucine, an amino acid with highly similar properties. This amino acid position is conserved. In addition, the in silico prediction for this alteration is inconclusive. Since supporting evidence is limited at this time, the clinical significance of this alteration remains unclear.

Labcorp Genetics (formerly Invitae), Labcorp
Classification: Uncertain significance for Dilated cardiomyopathy 1W. Last evaluated: 2024-08-23. Review status: criteria provided, single submitter. Criteria: Invitae Variant Classification Sherloc (09022015). Collection method: clinical testing. Allele origin: germline.
Comment: This sequence change replaces methionine, which is neutral and non-polar, with isoleucine, which is neutral and non-polar, at codon 748 of the VCL protein (p.Met748Ile). This variant is not present in population databases (gnomAD no frequency). This variant has not been reported in the literature in individuals affected with VCL-related conditions. An algorithm developed to predict the effect of missense changes on protein structure and function (PolyPhen-2) suggests that this variant is likely to be disruptive. In summary, the available evidence is currently insufficient to determine the role of this variant in disease. Therefore, it has been classified as a Variant of Uncertain Significance.

NM_014000.3(VCL):c.2244G>A (p.Met748Ile)

Gene: VCL (vinculin; plus strand). Cytogenetic location: 10q22.2.
Variant type: single nucleotide variant.
Coding change: c.2244G>A on transcript NM_014000.3 (MANE Select); coding-DNA position 2244, G replaced by A.
Protein change: p.Met748Ile; replaces methionine 748 with isoleucine.
Molecular consequence: missense variant.
Genome position (GRCh38, 1-based): chr10:74,105,163, G>A. VCF-style: chr10-74105163-G-A. GRCh37 (hg19) VCF-style: chr10-75864921-G-A.
Other names: c.2244G>A, p.Met748Ile (NM_003373.4); short protein forms M748I.
Identifiers: ClinVar variation 3679665 (VCV003679665.3).